The following is an entry in ClinVar:

NM_001165963.4(SCN1A):c.228C>G (p.Pro76=)

Gene: SCN1A (sodium voltage-gated channel alpha subunit 1; minus strand). Cytogenetic location: 2q24.3.
Variant type: single nucleotide variant.
Coding change: c.228C>G on transcript NM_001165963.4 (MANE Select); coding-DNA position 228, C replaced by G.
Protein change: p.Pro76=; no amino-acid change (proline 76 retained).
Molecular consequence: synonymous variant. On other transcripts: 5 prime UTR variant (1), non-coding transcript variant (1).
Genome position (GRCh38, 1-based): chr2:166,073,394, G>C on the plus strand (C>G on the coding strand, the complement: SCN1A is on the minus strand). VCF-style: chr2-166073394-G-C. GRCh37 (hg19) VCF-style: chr2-166929904-G-C.
Other names: c.228C>G, p.Pro76= (NM_001165964.3, NM_001202435.3, NM_001353948.2 and 10 more transcripts); c.-2198C>G (NM_001353961.2).
Identifiers: ClinVar variation 704519 (VCV000704519.34), dbSNP rs1173774565, ClinGen allele CA429990575.

ClinVar aggregate classification (germline): Likely benign. Review status: criteria provided, multiple submitters, no conflicts (2 of 4 stars). 2 submissions from 2 submitters: Likely benign (2). Last evaluated 2025-03-26.

Conditions:
Early-infantile DEE. Also called: Ohtahara syndrome; Early infantile epileptic encephalopathy; Early infantile epileptic encephalopathy with suppression bursts. Identifiers: Orphanet 1934, MedGen C0393706, MONDO:0800491.

Allele frequency attached by ClinVar (database versions not stated): gnomAD exomes 0.00001; TOPMed 0.00001.
gnomAD v4.1: 9 of 1,613,998 alleles (0.00056%); highest among the groups gnomAD compares: Non-Finnish European, 0.00076%; no homozygotes.

Submissions (2):

Labcorp Genetics (formerly Invitae), Labcorp
Classification: Likely benign for Early-infantile DEE. Last evaluated: 2025-03-26. Review status: criteria provided, single submitter. Criteria: Invitae Variant Classification Sherloc (09022015). Collection method: clinical testing. Allele origin: germline.

CeGaT Center for Human Genetics Tuebingen
Classification: Likely benign. Last evaluated: 2023-06-01. Review status: criteria provided, single submitter. Criteria: CeGaT Center For Human Genetics Tuebingen Variant Classification Criteria Version 2. Collection method: clinical testing. Allele origin: germline. Affected: yes. Observed: 1 variant allele.
Comment: SCN1A: BP4, BP7